The following is an entry in ClinVar:

NM_005188.4(CBL):c.55G>A (p.Gly19Ser)

Genes: CBL (Cbl proto-oncogene; plus strand), LOC130006895 (ATAC-STARR-seq lymphoblastoid silent region 3975; plus strand). Cytogenetic location: 11q23.3.
Variant type: single nucleotide variant.
Coding change: c.55G>A on transcript NM_005188.4 (MANE Select); coding-DNA position 55, G replaced by A.
Protein change: p.Gly19Ser; replaces glycine 19 with serine.
Molecular consequence: missense variant.
Genome position (GRCh38, 1-based): chr11:119,206,472, G>A. VCF-style: chr11-119206472-G-A. GRCh37 (hg19) VCF-style: chr11-119077182-G-A.
Other names: c.55G>A (NM_005188.2); short protein forms G19S.
Identifiers: ClinVar variation 1516231 (VCV001516231.11), dbSNP rs1257650494, ClinGen allele CA382975849.

ClinVar aggregate classification (germline): Uncertain significance. Review status: criteria provided, multiple submitters, no conflicts (2 of 4 stars). 3 submissions from 3 submitters: Uncertain significance (3). Last evaluated 2025-04-08.

Conditions:
Cardiovascular phenotype. Identifiers: MedGen CN230736.
RASopathy. Also called: rasopathies; Noonan spectrum disorder. Identifiers: Orphanet 536391, MedGen C5555857, MONDO:0021060.

Allele frequency attached by ClinVar (database versions not stated): gnomAD exomes 0.00001.
gnomAD v4.1: 8 of 1,576,770 alleles (0.00051%); highest among the groups gnomAD compares: Admixed American, 0.0018%; no homozygotes.

Submissions (3):

Labcorp Genetics (formerly Invitae), Labcorp
Classification: Uncertain significance for RASopathy. Last evaluated: 2025-04-08. Review status: criteria provided, single submitter. Criteria: Invitae Variant Classification Sherloc (09022015). Collection method: clinical testing. Allele origin: germline.
Comment: This sequence change replaces glycine, which is neutral and non-polar, with serine, which is neutral and polar, at codon 19 of the CBL protein (p.Gly19Ser). This variant is not present in population databases (gnomAD no frequency). This variant has not been reported in the literature in individuals affected with CBL-related conditions. ClinVar contains an entry for this variant (Variation ID: 1516231). Invitae Evidence Modeling of protein sequence and biophysical properties (such as structural, functional, and spatial information, amino acid conservation, physicochemical variation, residue mobility, and thermodynamic stability) indicates that this missense variant is not expected to disrupt CBL protein function with a negative predictive value of 95%. In summary, the available evidence is currently insufficient to determine the role of this variant in disease. Therefore, it has been classified as a Variant of Uncertain Significance.

Ambry Genetics
Classification: Uncertain significance for Cardiovascular phenotype. Last evaluated: 2025-03-04. Review status: criteria provided, single submitter. Criteria: Ambry Variant Classification Scheme 2023. Collection method: clinical testing. Allele origin: germline.
Comment: The p.G19S variant (also known as c.55G>A), located in coding exon 1 of the CBL gene, results from a G to A substitution at nucleotide position 55. The glycine at codon 19 is replaced by serine, an amino acid with similar properties. This amino acid position is conserved. In addition, this alteration is predicted to be tolerated by in silico analysis. Based on the available evidence, the clinical significance of this variant remains unclear.

Dasa
Classification: Uncertain significance. Last evaluated: 2024-11-11. Review status: criteria provided, single submitter. Criteria: DASA Assertion Criteria. Collection method: clinical testing. Allele origin: germline.
Comment: NM_005188.4(CBL):c.55G>A (p.Gly19Ser) is a missense variant that results in the substitution of glycine with serine. This variant is rare in population databases. Computational prediction algorithms are consistent with a benign effect. The currently available literature and clinical evidence are not sufficient to establish a definitive association between this variant and the reported condition. Therefore, this variant is classified as a variant of uncertain significance.